The following is an entry in ClinVar:

ClinVar aggregate classification (germline): Conflicting classifications of pathogenicity. Review status: criteria provided, conflicting classifications (1 of 4 stars). 3 submissions from 3 submitters: Uncertain significance (2); Likely benign (1). Last evaluated 2025-05-25.

Conditions:
Hereditary cancer-predisposing syndrome. Also called: Neoplastic Syndromes, Hereditary; Tumor predisposition; Hereditary Cancer Syndrome; Hereditary neoplastic syndrome. Identifiers: Orphanet 140162, MedGen C0027672, MeSH D009386, MONDO:0015356.
Ataxia-telangiectasia syndrome (AT). Also called: LOUIS-BAR SYNDROME; Cerebello-oculocutaneous telangiectasia; Immunodeficiency with ataxia telangiectasia; Ataxia telangiectasia (A-T); Ataxia-telangiectasia, complementation group D; AT, COMPLEMENTATION GROUP C. Identifiers: Orphanet 100, MedGen C0004135, MONDO:0008840, OMIM 208900.

Submissions (3):

Color Diagnostics, LLC DBA Color Health
Classification: Uncertain significance for Hereditary cancer-predisposing syndrome. Last evaluated: 2025-05-25. Review status: criteria provided, single submitter. Criteria: ACMG Guidelines, 2015. Collection method: clinical testing. Allele origin: germline.
Comment: This missense variant replaces methionine with isoleucine at codon 1967 of the ATM protein. Computational prediction suggests that this variant may not impact protein structure and function. To our knowledge, functional studies have not been reported for this variant. This variant has not been reported in individuals affected with ATM-related disorders in the literature. This variant has not been identified in the general population by the Genome Aggregation Database (gnomAD). The available evidence is insufficient to determine the role of this variant in disease conclusively. Therefore, this variant is classified as a Variant of Uncertain Significance.

Ambry Genetics
Classification: Likely benign for Hereditary cancer-predisposing syndrome. Last evaluated: 2025-03-13. Review status: criteria provided, single submitter. Criteria: Ambry Variant Classification Scheme 2023. Collection method: clinical testing. Allele origin: germline.

Labcorp Genetics (formerly Invitae), Labcorp
Classification: Uncertain significance for Ataxia-telangiectasia syndrome. Last evaluated: 2024-01-19. Review status: criteria provided, single submitter. Criteria: Invitae Variant Classification Sherloc (09022015). Collection method: clinical testing. Allele origin: germline.
Comment: This sequence change replaces methionine, which is neutral and non-polar, with isoleucine, which is neutral and non-polar, at codon 1967 of the ATM protein (p.Met1967Ile). This variant is not present in population databases (gnomAD no frequency). This variant has not been reported in the literature in individuals affected with ATM-related conditions. ClinVar contains an entry for this variant (Variation ID: 1480583). Algorithms developed to predict the effect of missense changes on protein structure and function output the following: SIFT: "Not Available"; PolyPhen-2: "Benign"; Align-GVGD: "Not Available". The isoleucine amino acid residue is found in multiple mammalian species, which suggests that this missense change does not adversely affect protein function. In summary, the available evidence is currently insufficient to determine the role of this variant in disease. Therefore, it has been classified as a Variant of Uncertain Significance.

NM_000051.4(ATM):c.5901G>A (p.Met1967Ile)

Genes: ATM (ATM serine/threonine kinase; plus strand), C11orf65 (chromosome 11 open reading frame 65; minus strand). Cytogenetic location: 11q22.3.
Variant type: single nucleotide variant.
Coding change: c.5901G>A on transcript NM_000051.4 (MANE Select); coding-DNA position 5901, G replaced by A.
Protein change: p.Met1967Ile; replaces methionine 1967 with isoleucine.
Molecular consequence: missense variant. On other transcripts: intron variant (2).
Genome position (GRCh38, 1-based): chr11:108,310,298, G>A. VCF-style: chr11-108310298-G-A. GRCh37 (hg19) VCF-style: chr11-108181025-G-A.
Other names: c.5901G>A, p.Met1967Ile (NM_001351834.2); c.641-1227C>T (NM_001330368.2); c.*39-1227C>T (NM_001351110.2); short protein forms M1967I.
Identifiers: ClinVar variation 1480583 (VCV001480583.10), dbSNP rs2136018731, ClinGen allele CA382548570.